The following is an entry in ClinVar:

ClinVar aggregate classification (germline): Uncertain significance (1 of 4 stars; one submission).

Submission:

Ambry Genetics
Classification: Uncertain significance. Last evaluated: 2026-06-20. Review status: criteria provided, single submitter. Criteria: Ambry Variant Classification Scheme 2023. Collection method: clinical testing. Allele origin: germline.
Comment: The p.A95V variant (also known as c.284C>T), located in coding exon 1 of the WNK2 gene, results from a C to T substitution at nucleotide position 284. The alanine at codon 95 is replaced by valine, an amino acid with similar properties. This amino acid position is conserved. In addition, this alteration is predicted to be tolerated by in silico analysis. Based on the available evidence, the clinical significance of this variant remains unclear.

NM_006648.4(WNK2):c.284C>T (p.Ala95Val)

Gene: WNK2 (WNK lysine deficient protein kinase 2; plus strand). Cytogenetic location: 9q22.31.
Variant type: single nucleotide variant.
Coding change: c.284C>T on transcript NM_006648.4 (MANE Select); coding-DNA position 284, C replaced by T.
Protein change: p.Ala95Val; replaces alanine 95 with valine.
Molecular consequence: missense variant.
Genome position (GRCh38, 1-based): chr9:93,185,213, C>T. VCF-style: chr9-93185213-C-T. GRCh37 (hg19) VCF-style: chr9-95947495-C-T.
Other names: c.284C>T, p.Ala95Val (NM_001282394.3); short protein forms A95V.
Identifiers: ClinVar variation 5031796 (VCV005031796.1).